The following is an entry in ClinVar:

NM_014994.3(MAPKBP1):c.2681A>G (p.His894Arg)

Gene: MAPKBP1 (mitogen-activated protein kinase binding protein 1; plus strand). Cytogenetic location: 15q15.1.
Variant type: single nucleotide variant.
Coding change: c.2681A>G on transcript NM_014994.3 (MANE Select); coding-DNA position 2681, A replaced by G.
Protein change: p.His894Arg; replaces histidine 894 with arginine.
Molecular consequence: missense variant. On other transcripts: non-coding transcript variant (2).
Genome position (GRCh38, 1-based): chr15:41,821,031, A>G. VCF-style: chr15-41821031-A-G. GRCh37 (hg19) VCF-style: chr15-42113229-A-G.
Other names: c.2699A>G, p.His900Arg (NM_001128608.2); c.2681A>G, p.His894Arg (NM_001265611.2); short protein forms H894R, H900R.
Identifiers: ClinVar variation 2119712 (VCV002119712.4), dbSNP rs2551105300, ClinGen allele CA391871582.

ClinVar aggregate classification (germline): Uncertain significance (1 of 4 stars; one submission).

Allele frequency attached by ClinVar (database versions not stated): gnomAD exomes below 0.00001.
gnomAD v4.1: 3 of 1,614,182 alleles (0.00019%); highest among the groups gnomAD compares: South Asian, 0.0033%; no homozygotes.

Submission:

Labcorp Genetics (formerly Invitae), Labcorp
Classification: Uncertain significance. Last evaluated: 2024-06-03. Review status: criteria provided, single submitter. Criteria: Invitae Variant Classification Sherloc (09022015). Collection method: clinical testing. Allele origin: germline.
Comment: This sequence change replaces histidine, which is basic and polar, with arginine, which is basic and polar, at codon 900 of the MAPKBP1 protein (p.His900Arg). This variant is not present in population databases (gnomAD no frequency). This variant has not been reported in the literature in individuals affected with MAPKBP1-related conditions. ClinVar contains an entry for this variant (Variation ID: 2119712). An algorithm developed to predict the effect of missense changes on protein structure and function (PolyPhen-2) suggests that this variant is likely to be tolerated. In summary, the available evidence is currently insufficient to determine the role of this variant in disease. Therefore, it has been classified as a Variant of Uncertain Significance.